The following is an entry in ClinVar:

ClinVar aggregate classification (germline): Uncertain significance (1 of 4 stars; one submission).

Conditions:
Severe combined immunodeficiency due to DCLRE1C deficiency (RS-SCID). Also called: SCID, AUTOSOMAL RECESSIVE, T CELL-NEGATIVE, B CELL-NEGATIVE, NK CELL-POSITIVE, WITH SENSITIVITY TO IONIZING RADIATION. Identifiers: Orphanet 275, MedGen C1865371, MONDO:0011225, OMIM 602450.

Allele frequency attached by ClinVar (database versions not stated): gnomAD 0.00001; TOPMed 0.00001; gnomAD exomes 0.00002; ExAC 0.00001.
gnomAD v4.1: 11 of 1,613,864 alleles (0.00068%); highest among the groups gnomAD compares: Non-Finnish European, 0.00093%; no homozygotes.

Submission:

Labcorp Genetics (formerly Invitae), Labcorp
Classification: Uncertain significance for Athabaskan severe combined immunodeficiency. Last evaluated: 2022-10-17. Review status: criteria provided, single submitter. Criteria: Invitae Variant Classification Sherloc (09022015). Collection method: clinical testing. Allele origin: germline.
Comment: This sequence change replaces leucine, which is neutral and non-polar, with arginine, which is basic and polar, at codon 332 of the DCLRE1C protein (p.Leu332Arg). This variant is present in population databases (rs761400441, gnomAD 0.003%). This missense change has been observed in individual(s) with severe combined immunodeficiency (PMID: 24144642). Advanced modeling of protein sequence and biophysical properties (such as structural, functional, and spatial information, amino acid conservation, physicochemical variation, residue mobility, and thermodynamic stability) performed at Invitae indicates that this missense variant is not expected to disrupt DCLRE1C protein function. In summary, the available evidence is currently insufficient to determine the role of this variant in disease. Therefore, it has been classified as a Variant of Uncertain Significance.

Literature cited by the submitters: PubMed 24144642.

NM_001033855.3(DCLRE1C):c.995T>G (p.Leu332Arg)

Gene: DCLRE1C (DNA cross-link repair 1C; minus strand). Cytogenetic location: 10p13.
Variant type: single nucleotide variant.
Coding change: c.995T>G on transcript NM_001033855.3 (MANE Select); coding-DNA position 995, T replaced by G.
Protein change: p.Leu332Arg; replaces leucine 332 with arginine.
Molecular consequence: missense variant. On other transcripts: non-coding transcript variant (4).
Genome position (GRCh38, 1-based): chr10:14,923,047, A>C on the plus strand (T>G on the coding strand, the complement: DCLRE1C is on the minus strand). VCF-style: chr10-14923047-A-C. GRCh37 (hg19) VCF-style: chr10-14965046-A-C.
Other names: c.995T>G, p.Leu332Arg (NM_001350965.2); c.650T>G, p.Leu217Arg (NM_001350966.2, NM_022487.4, NM_001289076.2 and 1 more transcripts); c.635T>G, p.Leu212Arg (NM_001350967.2, NM_001033857.3, NM_001033858.3 and 2 more transcripts); short protein forms L217R, L212R, L332R.
Identifiers: ClinVar variation 2136847 (VCV002136847.1), dbSNP rs761400441, ClinGen allele CA5416586.